The following is an entry in ClinVar:

ClinVar aggregate classification (germline): Pathogenic (1 of 4 stars; one submission).

Conditions:
Junctional epidermolysis bullosa. Identifiers: Orphanet 305, MedGen C0079301, MONDO:0017612.

Submission:

Myriad Genetics, Inc.
Classification: Pathogenic for Junctional epidermolysis bullosa. Last evaluated: 2024-10-19. Review status: criteria provided, single submitter. Criteria: Myriad Autosomal Dominant, Autosomal Recessive and X-Linked Classification Criteria (2023). Collection method: clinical testing. Allele origin: unknown.
Comment: NM_000228.2(LAMB3):c.644_645delCA(T215Kfs*42) is expected to be pathogenic in the context of junctional epidermolysis bullosa, LAMB3-related. This variant is predicted to lead to an abnormal or absent protein product due to the creation of a premature termination codon in LAMB3, a gene where loss-of-function variants are known to be pathogenic. Please note: this variant was assessed in the context of healthy population screening.

NM_000228.3(LAMB3):c.644_645del (p.Thr215fs)

Gene: LAMB3 (laminin subunit beta 3; minus strand). Cytogenetic location: 1q32.2.
Variant type: Microsatellite.
Coding change: c.644_645del on transcript NM_000228.3 (MANE Select); coding-DNA positions 644 to 645, 2 bases deleted (CA; older notation c.644_645delCA).
Protein change: p.Thr215fs; shifts the reading frame from threonine 215.
Molecular consequence: frameshift variant.
Genome position (GRCh38, 1-based): chr1:209,632,760-209,632,761, TG deleted on the plus strand (CA on the coding strand, the reverse complement: LAMB3 is on the minus strand); deleting any 2 consecutive bases within chr1:209,632,760-209,632,763 gives the same sequence; the c. name uses the placement nearest the transcript's 3' end. VCF-style (leftmost placement, unchanged base first): chr1-209632759-TTG-T. GRCh37 (hg19) VCF-style: chr1-209806104-TTG-T.
Other names: c.644_645del, p.Thr215fs (NM_001017402.2, NM_001127641.1); short protein forms T215fs.
Identifiers: ClinVar variation 5013649 (VCV005013649.1).